The following is an entry in ClinVar:

ClinVar aggregate classification (germline): Uncertain significance (1 of 4 stars; one submission).

Conditions:
Duchenne muscular dystrophy (DMD). Also called: MUSCULAR DYSTROPHY, PSEUDOHYPERTROPHIC PROGRESSIVE, DUCHENNE TYPE; Duchenne Muscular Dystrophy (DMD). Identifiers: Orphanet 98896, MedGen C0013264, MONDO:0010679, OMIM 310200.

gnomAD v4.1: 1 of 1,207,702 alleles (0.000083%); highest among the groups gnomAD compares: Non-Finnish European, 0.00011%; no homozygotes.

Submission:

Labcorp Genetics (formerly Invitae), Labcorp
Classification: Uncertain significance for Duchenne muscular dystrophy. Last evaluated: 2025-05-29. Review status: criteria provided, single submitter. Criteria: Invitae Variant Classification Sherloc (09022015). Collection method: clinical testing. Allele origin: germline.
Comment: This sequence change replaces glutamine, which is neutral and polar, with arginine, which is basic and polar, at codon 2336 of the DMD protein (p.Gln2336Arg). This variant is not present in population databases (gnomAD no frequency). This variant has not been reported in the literature in individuals affected with DMD-related conditions. Invitae Evidence Modeling of protein sequence and biophysical properties (such as structural, functional, and spatial information, amino acid conservation, physicochemical variation, residue mobility, and thermodynamic stability) indicates that this missense variant is not expected to disrupt DMD protein function with a negative predictive value of 95%. In summary, the available evidence is currently insufficient to determine the role of this variant in disease. Therefore, it has been classified as a Variant of Uncertain Significance.

NM_004006.3(DMD):c.7007A>G (p.Gln2336Arg)

Gene: DMD (dystrophin; minus strand). Cytogenetic location: Xp21.1.
Variant type: single nucleotide variant.
Coding change: c.7007A>G on transcript NM_004006.3 (MANE Select); coding-DNA position 7007, A replaced by G.
Protein change: p.Gln2336Arg; replaces glutamine 2336 with arginine.
Molecular consequence: missense variant. On other transcripts: 5 prime UTR variant (5).
Genome position (GRCh38, 1-based): chrX:31,875,279, T>C on the plus strand (A>G on the coding strand, the complement: DMD is on the minus strand). VCF-style: chrX-31875279-T-C. GRCh37 (hg19) VCF-style: chrX-31893396-T-C.
Other names: c.6983A>G, p.Gln2328Arg (NM_000109.4); c.6995A>G, p.Gln2332Arg (NM_004009.3); c.6638A>G, p.Gln2213Arg (NM_004010.3); c.2984A>G, p.Gln995Arg (NM_004011.4); c.2975A>G, p.Gln992Arg (NM_004012.4); c.-374A>G (NM_004013.3, NM_004020.4, NM_004021.3 and 2 more transcripts); short protein forms Q992R, Q2332R, Q995R, Q2336R, Q2213R, Q2328R.
Identifiers: ClinVar variation 4698810 (VCV004698810.1).